The following is an entry in ClinVar:

ClinVar aggregate classification (germline): Uncertain significance (1 of 4 stars; one submission).

Allele frequency attached by ClinVar (database versions not stated): TOPMed below 0.00001; gnomAD 0.00003; ExAC 0.00008.
gnomAD v4.1: 66 of 1,613,984 alleles (0.0041%); highest among the groups gnomAD compares: South Asian, 0.047%; no homozygotes.

Submission:

Labcorp Genetics (formerly Invitae), Labcorp
Classification: Uncertain significance. Last evaluated: 2024-10-21. Review status: criteria provided, single submitter. Criteria: Invitae Variant Classification Sherloc (09022015). Collection method: clinical testing. Allele origin: germline.
Comment: This sequence change replaces threonine, which is neutral and polar, with methionine, which is neutral and non-polar, at codon 312 of the MCM4 protein (p.Thr312Met). This variant is present in population databases (rs762053656, gnomAD 0.05%). This variant has not been reported in the literature in individuals affected with MCM4-related conditions. ClinVar contains an entry for this variant (Variation ID: 2083373). Invitae Evidence Modeling of protein sequence and biophysical properties (such as structural, functional, and spatial information, amino acid conservation, physicochemical variation, residue mobility, and thermodynamic stability) indicates that this missense variant is not expected to disrupt MCM4 protein function with a negative predictive value of 80%. In summary, the available evidence is currently insufficient to determine the role of this variant in disease. Therefore, it has been classified as a Variant of Uncertain Significance.

NM_182746.3(MCM4):c.935C>T (p.Thr312Met)

Gene: MCM4 (minichromosome maintenance complex component 4; plus strand). Cytogenetic location: 8q11.21.
Variant type: single nucleotide variant.
Coding change: c.935C>T on transcript NM_182746.3 (MANE Select); coding-DNA position 935, C replaced by T.
Protein change: p.Thr312Met; replaces threonine 312 with methionine.
Molecular consequence: missense variant.
Genome position (GRCh38, 1-based): chr8:47,966,289, C>T. VCF-style: chr8-47966289-C-T. GRCh37 (hg19) VCF-style: chr8-48878849-C-T.
Other names: c.935C>T, p.Thr312Met (NM_005914.4); short protein forms T312M.
Identifiers: ClinVar variation 2083373 (VCV002083373.3), dbSNP rs762053656, ClinGen allele CA4742464.